The following is an entry in ClinVar:

ClinVar aggregate classification (germline): Uncertain significance (1 of 4 stars; one submission).

Conditions:
Primary ciliary dyskinesia. Also called: Ciliary dyskinesia. Identifiers: Orphanet 244, MedGen C0008780, MONDO:0016575, HP:0012265.

gnomAD v4.1: 4 of 1,003,544 alleles (0.0004%); highest among the groups gnomAD compares: South Asian, 0.0045%; no homozygotes.

Submission:

Labcorp Genetics (formerly Invitae), Labcorp
Classification: Uncertain significance for Primary ciliary dyskinesia. Last evaluated: 2023-10-11. Review status: criteria provided, single submitter. Criteria: Invitae Variant Classification Sherloc (09022015). Collection method: clinical testing. Allele origin: germline.
Comment: This sequence change replaces glutamic acid, which is acidic and polar, with aspartic acid, which is acidic and polar, at codon 1006 of the RPGR (ORF15) protein (p.Glu1006Asp). This variant is not present in population databases (gnomAD no frequency). This variant has not been reported in the literature in individuals affected with RPGR (ORF15)-related conditions. Advanced modeling of protein sequence and biophysical properties (such as structural, functional, and spatial information, amino acid conservation, physicochemical variation, residue mobility, and thermodynamic stability) performed at Invitae indicates that this missense variant is not expected to disrupt RPGR (ORF15) protein function. In summary, the available evidence is currently insufficient to determine the role of this variant in disease. Therefore, it has been classified as a Variant of Uncertain Significance.

NM_001034853.2(RPGR):c.3018G>C (p.Glu1006Asp)

Gene: RPGR (retinitis pigmentosa GTPase regulator; minus strand). Cytogenetic location: Xp11.4.
Variant type: single nucleotide variant.
Coding change: c.3018G>C on transcript NM_001034853.2 (MANE Select); coding-DNA position 3018, G replaced by C.
Protein change: p.Glu1006Asp; replaces glutamic acid 1006 with aspartic acid.
Molecular consequence: missense variant. On other transcripts: intron variant (8).
Genome position (GRCh38, 1-based): chrX:38,285,981, C>G on the plus strand (G>C on the coding strand, the complement: RPGR is on the minus strand). VCF-style: chrX-38285981-C-G. GRCh37 (hg19) VCF-style: chrX-38145234-C-G.
Other names: c.1569+4978G>C (NM_001367249.1, NM_001367250.1); c.1902+1113G>C (NM_001367245.1); c.1386+4978G>C (NM_001367251.1); c.1719+1113G>C (NM_001367246.1); c.1572+4978G>C (NM_001367247.1); c.1905+1113G>C (NM_000328.3); c.1602+4978G>C (NM_001367248.1); short protein forms E1006D.
Identifiers: ClinVar variation 2834297 (VCV002834297.3), dbSNP rs2067129513, ClinGen allele CA412729204.